The following is an entry in ClinVar:

NM_000083.3(CLCN1):c.1450T>C (p.Phe484Leu)

Gene: CLCN1 (chloride voltage-gated channel 1; plus strand). Cytogenetic location: 7q34.
Variant type: single nucleotide variant.
Coding change: c.1450T>C on transcript NM_000083.3 (MANE Select); coding-DNA position 1450, T replaced by C.
Protein change: p.Phe484Leu; replaces phenylalanine 484 with leucine.
Molecular consequence: missense variant. On other transcripts: non-coding transcript variant (1).
Genome position (GRCh38, 1-based): chr7:143,339,301, T>C. VCF-style: chr7-143339301-T-C. GRCh37 (hg19) VCF-style: chr7-143036394-T-C.
Other names: short protein forms F484L.
Identifiers: ClinVar variation 1070311 (VCV001070311.9), dbSNP rs1312002847, ClinGen allele CA369645393.

ClinVar aggregate classification (germline): Pathogenic/Likely pathogenic. Review status: criteria provided, multiple submitters, no conflicts (2 of 4 stars). 3 submissions from 3 submitters: Pathogenic (2); Likely pathogenic (1). Last evaluated 2021-10-11.

Conditions:
Congenital myotonia, autosomal dominant form (THD). Also called: THOMSEN DISEASE; Myotonia congenita autosomal dominant. Identifiers: Orphanet 614, MedGen C2936781, MONDO:0008055, OMIM 160800.
Congenital myotonia, autosomal recessive form. Also called: Becker Generalized Myotonia; myotonia congenita, autosomal recessive; BECKER DISEASE. Identifiers: Orphanet 614, MedGen C0751360, MONDO:0009715, OMIM 255700.

Allele frequency attached by ClinVar (database versions not stated): gnomAD exomes below 0.00001.
gnomAD v4.1: 1 of 1,613,224 alleles (0.000062%); highest among the groups gnomAD compares: East Asian, 0.0022%; no homozygotes.

Submissions (3):

Athena Diagnostics
Classification: Pathogenic. Last evaluated: 2021-10-11. Review status: criteria provided, single submitter. Criteria: Athena Diagnostics Criteria. Collection method: clinical testing. Allele origin: unknown.
Comment: The frequency of this variant in the general population is consistent with pathogenicity. This variant appears to segregate with disease in at least one family. This variant has been reported to be associated with autosomal dominant myotonia congenita (PMID: 23739125, 26096614, 27639085, 28427807, 33573884). Assessment of experimental evidence suggests this variant results in abnormal protein function. This variant affects the common-gating function and voltage conductance of the ClC-1 channel (PMID: 26096614, 29500929).

Labcorp Genetics (formerly Invitae), Labcorp
Classification: Pathogenic for Congenital myotonia, autosomal recessive form; Congenital myotonia, autosomal dominant form. Last evaluated: 2020-05-21. Review status: criteria provided, single submitter. Criteria: Invitae Variant Classification Sherloc (09022015). Collection method: clinical testing. Allele origin: germline.
Comment: This sequence change replaces phenylalanine with leucine at codon 484 of the CLCN1 protein (p.Phe484Leu). The phenylalanine residue is highly conserved and there is a small physicochemical difference between phenylalanine and leucine. This variant is not present in population databases (ExAC no frequency). This variant has been observed in individual(s) with autosomal dominant Thomsen myotonia (PMID: 27639085, 26096614). It has also been observed to segregate with disease in related individuals. This variant has been reported to affect CLCN1 protein function (PMID: 26096614). For these reasons, this variant has been classified as Pathogenic.

Neuberg Centre For Genomic Medicine, NCGM
Classification: Likely pathogenic for Congenital myotonia, autosomal dominant form. Review status: criteria provided, single submitter. Criteria: ACMG Guidelines, 2015. Collection method: clinical testing. Allele origin: germline. Inheritance: Autosomal dominant inheritance. Affected: yes.
Comment: The missense variant c.1450T>C (p.Phe484Leu) in CLCN1 gene has been observed in individual(s) with autosomal dominant Thomsen myotonia (Cassone M et.al.,2017). This variant has been reported to the ClinVar database as Pathogenic. The p.Phe484Leu variant is novel (not in any individuals) in 1000 Genomes and allele frequency of 0.000003977 is reported in gnomAD. The amino acid Phe at position 484 is changed to a Leu changing protein sequence and it might alter its composition and physico-chemical properties. The variant is predicted to be damaging by PolyPhen2 and the residue is conserved across species. The amino acid change p.Phe484Leu in CLCN1 is predicted as conserved by GERP++ and PhyloP across 100 vertebrates. For these reasons, this variant has been classified as Likely Pathogenic .

Literature cited by the submitters: PubMed 27639085 (cited by Athena Diagnostics and Labcorp Genetics (formerly Invitae), Labcorp); PubMed 26096614 (cited by Athena Diagnostics and Labcorp Genetics (formerly Invitae), Labcorp); PubMed 33573884 (cited by Athena Diagnostics); PubMed 28427807 (cited by Athena Diagnostics); PubMed 23739125 (cited by Athena Diagnostics); PubMed 29500929 (cited by Athena Diagnostics).